The following is an entry in ClinVar:

NM_007118.4(TRIO):c.5426G>C (p.Ser1809Thr)

Gene: TRIO (trio Rho guanine nucleotide exchange factor; plus strand). Cytogenetic location: 5p15.2.
Variant type: single nucleotide variant.
Coding change: c.5426G>C on transcript NM_007118.4 (MANE Select); coding-DNA position 5426, G replaced by C.
Protein change: p.Ser1809Thr; replaces serine 1809 with threonine.
Molecular consequence: missense variant. On other transcripts: non-coding transcript variant (1).
Genome position (GRCh38, 1-based): chr5:14,461,241, G>C. VCF-style: chr5-14461241-G-C. GRCh37 (hg19) VCF-style: chr5-14461350-G-C.
Other names: short protein forms S1809T.
Identifiers: ClinVar variation 2630894 (VCV002630894.1), dbSNP rs996619808, ClinGen allele CA114000309.

ClinVar aggregate classification (germline): Uncertain significance (1 of 4 stars; one submission).

Conditions:
TRIO-related disorder. Also called: TRIO-related condition; TRIO-related disorders.

Allele frequency attached by ClinVar (database versions not stated): gnomAD 0.00001; TOPMed 0.00002.

Submission:

PreventionGenetics, part of Exact Sciences
Classification: Uncertain significance for TRIO-related condition. Last evaluated: 2023-09-01. Review status: criteria provided, single submitter. Criteria: ACMG Guidelines, 2015. Collection method: clinical testing. Allele origin: germline.
Comment: The TRIO c.5426G>C variant is predicted to result in the amino acid substitution p.Ser1809Thr. To our knowledge, this variant has not been reported in the literature. This variant is reported in 0.0012% of alleles in individuals of European (Non-Finnish) descent in gnomAD. At this time, the clinical significance of this variant is uncertain due to the absence of conclusive functional and genetic evidence.